The following is an entry in ClinVar:

NM_000350.3(ABCA4):c.4666del (p.Arg1556fs)

Gene: ABCA4 (ATP binding cassette subfamily A member 4; minus strand). Cytogenetic location: 1p22.1.
Variant type: Deletion.
Coding change: c.4666del on transcript NM_000350.3 (MANE Select); coding-DNA position 4666, one base deleted (A; older notation c.4666delA).
Protein change: p.Arg1556fs; shifts the reading frame from arginine 1556.
Molecular consequence: frameshift variant.
Genome position (GRCh38, 1-based): chr1:94,023,387, T deleted on the plus strand (A on the coding strand, the reverse complement: ABCA4 is on the minus strand). VCF-style (leftmost placement, unchanged base first): chr1-94023386-CT-C. GRCh37 (hg19) VCF-style: chr1-94488942-CT-C.
Other names: c.4444delA, p.Arg1482Glyfs (NM_001425324.1); short protein forms R1556fs.
Identifiers: ClinVar variation 1073491 (VCV001073491.8), dbSNP rs2101025946, ClinGen allele CA645372206.
Genomic context (GRCh38, chr1:94,023,386, plus strand): 5'-GCAATTATTTCAACAATGAATCAATCTGAGATTTTAATTCTGATAAAAATAGTTTCTTAC[CT>C]CTGTTCATTGACCCAGAATTTGCTCTTTAAGCTGAAAGCCAAAATAAAATAATGCAATGA-3'

ClinVar aggregate classification (germline): Pathogenic/Likely pathogenic. Review status: criteria provided, multiple submitters, no conflicts (2 of 4 stars). 2 submissions from 2 submitters: Pathogenic (1); Likely pathogenic (1). Last evaluated 2022-09-27.

Conditions:
ABCA4-related disorder. Also called: ABCA4-related disorders; ABCA4-related condition. Identifiers: MedGen CN239167.

Submissions (2):

Labcorp Genetics (formerly Invitae), Labcorp
Classification: Pathogenic. Last evaluated: 2022-09-27. Review status: criteria provided, single submitter. Criteria: Invitae Variant Classification Sherloc (09022015). Collection method: clinical testing. Allele origin: germline.
Comment: Algorithms developed to predict the effect of sequence changes on RNA splicing suggest that this variant may disrupt the consensus splice site. ClinVar contains an entry for this variant (Variation ID: 1073491). This premature translational stop signal has been observed in individual(s) with Stargardt disease (PMID: 29343940). This variant is not present in population databases (gnomAD no frequency). This sequence change creates a premature translational stop signal (p.Arg1556Glyfs*25) in the ABCA4 gene. It is expected to result in an absent or disrupted protein product. Loss-of-function variants in ABCA4 are known to be pathogenic (PMID: 10958761, 24938718, 25312043, 26780318). For these reasons, this variant has been classified as Pathogenic.

Blueprint Genetics
Classification: Likely pathogenic for ABCA4-related disorders. Last evaluated: 2021-11-17. Review status: criteria provided, single submitter. Criteria: ACMG Guidelines, 2015. Collection method: clinical testing. Allele origin: germline. Affected: yes. Observed: 1 variant allele.

Literature cited by the submitters: PubMed 29343940 (cited by Labcorp Genetics (formerly Invitae), Labcorp); PubMed 10958761 (cited by Labcorp Genetics (formerly Invitae), Labcorp); PubMed 24938718 (cited by Labcorp Genetics (formerly Invitae), Labcorp); PubMed 25312043 (cited by Labcorp Genetics (formerly Invitae), Labcorp); PubMed 26780318 (cited by Labcorp Genetics (formerly Invitae), Labcorp).